The following is an entry in ClinVar:

ClinVar aggregate classification (germline): Uncertain significance (1 of 4 stars; one submission).

Submission:

GeneDx
Classification: Uncertain significance. Last evaluated: 2024-11-05. Review status: criteria provided, single submitter. Criteria: GeneDx Variant Classification Process June 2021. Collection method: clinical testing. Allele origin: germline. Affected: yes.
Comment: Not observed at significant frequency in large population cohorts (gnomAD); In silico analysis supports that this missense variant has a deleterious effect on protein structure/function; Has not been previously published as pathogenic or benign to our knowledge

NM_001170629.2(CHD8):c.4012A>G (p.Thr1338Ala)

Gene: CHD8 (chromodomain helicase DNA binding protein 8; minus strand). Cytogenetic location: 14q11.2.
Variant type: single nucleotide variant.
Coding change: c.4012A>G on transcript NM_001170629.2 (MANE Select); coding-DNA position 4012, A replaced by G.
Protein change: p.Thr1338Ala; replaces threonine 1338 with alanine.
Molecular consequence: missense variant.
Genome position (GRCh38, 1-based): chr14:21,402,007, T>C on the plus strand (A>G on the coding strand, the complement: CHD8 is on the minus strand). VCF-style: chr14-21402007-T-C. GRCh37 (hg19) VCF-style: chr14-21870166-T-C.
Other names: c.3175A>G, p.Thr1059Ala (NM_020920.4); short protein forms T1059A, T1338A.
Identifiers: ClinVar variation 3897157 (VCV003897157.1).